The following is an entry in ClinVar:

ClinVar aggregate classification (germline): Pathogenic/Likely pathogenic. Review status: criteria provided, multiple submitters, no conflicts (2 of 4 stars). 4 submissions from 4 submitters: Pathogenic (2); Likely pathogenic (1). 1 of the submissions does not count toward it. Last evaluated 2025-10-13.

Conditions:
Autosomal recessive limb-girdle muscular dystrophy type 2D (LGMDR3). Also called: DUCHENNE-LIKE AUTOSOMAL RECESSIVE MUSCULAR DYSTROPHY, TYPE 2; ADHALINOPATHY, PRIMARY; MUSCULAR DYSTROPHY, LIMB-GIRDLE, AUTOSOMAL RECESSIVE 3. Identifiers: Orphanet 62, MedGen C2936332, MONDO:0011968, OMIM 608099. Disease mechanism: Affects gamma-sarcoglycan and also disrupts the integrity of the entire sarcoglycan complex..

Allele frequency attached by ClinVar (database versions not stated): TOPMed below 0.00001; gnomAD 0.00001; gnomAD exomes 0.00001; ExAC 0.00003.

Submissions (4):

Natera, Inc.
Classification: Likely pathogenic for Limb-girdle muscular dystrophy type 2D. Last evaluated: 2025-10-13. Review status: criteria provided, single submitter. Criteria: Natera Variant Classification Schema (03/2026). Collection method: clinical testing. Allele origin: germline.
Comment: The c.489delA variant in SGCA is a frameshift variant predicted to shift the reading frame beginning at codon 164 and leads to a stop codon 47 codons downstream. This variant is expected to result in nonsense mediated decay, truncation, or a dysfunctional protein product. This variant is rare in the general population with a frequency below the threshold expected for the associated phenotype(s). Given the available evidence, this variant is classified as Likely Pathogenic.

Labcorp Genetics (formerly Invitae), Labcorp
Classification: Pathogenic for Autosomal recessive limb-girdle muscular dystrophy type 2D. Last evaluated: 2023-10-20. Review status: criteria provided, single submitter. Criteria: Invitae Variant Classification Sherloc (09022015). Collection method: clinical testing. Allele origin: germline.
Comment: This sequence change creates a premature translational stop signal (p.Leu164Serfs*47) in the SGCA gene. It is expected to result in an absent or disrupted protein product. Loss-of-function variants in SGCA are known to be pathogenic (PMID: 9192266). This variant is present in population databases (rs753650776, gnomAD 0.01%). This variant has not been reported in the literature in individuals affected with SGCA-related conditions. ClinVar contains an entry for this variant (Variation ID: 290625). For these reasons, this variant has been classified as Pathogenic.

Eurofins Ntd Llc (ga)
Classification: Pathogenic. Last evaluated: 2016-09-06. Review status: criteria provided, single submitter. Criteria: EGL Classification Definitions 2015. Collection method: clinical testing. Allele origin: germline. Observed: 1 variant allele, 1 heterozygote.

Counsyl
Classification: Likely pathogenic for Autosomal recessive limb-girdle muscular dystrophy type 2D. Last evaluated: 2016-09-21. Review status: no assertion criteria provided. Collection method: clinical testing. Allele origin: unknown. Not counted in ClinVar's aggregate classification.

Literature cited by the submitters: PubMed 9192266 (cited by Labcorp Genetics (formerly Invitae), Labcorp).

NM_000023.4(SGCA):c.489del (p.Leu164fs)

Gene: SGCA (sarcoglycan alpha; plus strand). Cytogenetic location: 17q21.33.
Variant type: Deletion.
Coding change: c.489del on transcript NM_000023.4 (MANE Select); coding-DNA position 489, one base deleted (A; older notation c.489delA).
Protein change: p.Leu164fs; shifts the reading frame from leucine 164.
Molecular consequence: frameshift variant. On other transcripts: non-coding transcript variant (1).
Genome position (GRCh38, 1-based): chr17:50,168,477, A deleted. VCF-style (leftmost placement, unchanged base first): chr17-50168476-GA-G. GRCh37 (hg19) VCF-style: chr17-48245837-GA-G.
Other names: c.489del, p.Leu164fs (NM_001135697.3); c.489delA (NM_000023.3); short protein forms L164fs.
Identifiers: ClinVar variation 290625 (VCV000290625.16), dbSNP rs753650776, ClinGen allele CA8643812.